The following is an entry in ClinVar:

ClinVar aggregate classification (germline): Uncertain significance (1 of 4 stars; one submission).

Submission:

Labcorp Genetics (formerly Invitae), Labcorp
Classification: Uncertain significance. Last evaluated: 2026-01-12. Review status: criteria provided, single submitter. Criteria: Invitae Variant Classification Sherloc (09022015). Collection method: clinical testing. Allele origin: germline.
Comment: This sequence change creates a premature translational stop signal (p.Trp92*) in the DDX58 gene. It is expected to result in an absent or disrupted protein product. However, the current clinical and genetic evidence is not sufficient to establish whether loss-of-function variants in DDX58 cause disease. This variant is not present in population databases (gnomAD no frequency). This variant has not been reported in the literature in individuals affected with DDX58-related conditions. In summary, the available evidence is currently insufficient to determine the role of this variant in disease. Therefore, it has been classified as a Variant of Uncertain Significance.

NM_014314.4(RIGI):c.275G>A (p.Trp92Ter)

Gene: RIGI (RNA sensor RIG-I; minus strand). Cytogenetic location: 9p21.1.
Variant type: single nucleotide variant.
Coding change: c.275G>A on transcript NM_014314.4 (MANE Select); coding-DNA position 275, G replaced by A.
Protein change: p.Trp92Ter; replaces tryptophan 92 with a stop codon.
Molecular consequence: nonsense. On other transcripts: 5 prime UTR variant (3).
Genome position (GRCh38, 1-based): chr9:32,493,909, C>T on the plus strand (G>A on the coding strand, the complement: RIGI is on the minus strand). VCF-style: chr9-32493909-C-T. GRCh37 (hg19) VCF-style: chr9-32493907-C-T.
Other names: c.275G>A, p.Trp92Ter (NM_001385907.1, NM_001385909.1, NM_001385913.1); c.-180G>A (NM_001385910.1, NM_001385914.1); c.-187G>A (NM_001385912.1); short protein forms W92*.
Identifiers: ClinVar variation 4804500 (VCV004804500.1).
Genomic context (GRCh38, chr9:32,493,909, plus strand): 5'-GGTTGTAAACGTTTTAAAAGTAATCTATACTCCTCCAACTTTTCAATTTTTTTGAAATCC[C>T]AACTTTCAATGGCTTCATAAAGTCCAGAATAACCTGAAAAAAAAGAAAAAAAATGTGGAC-3'